The following is an entry in ClinVar:

NM_005765.3(ATP6AP2):c.285G>A (p.Ser95=)

Gene: ATP6AP2 (ATPase H+ transporting accessory protein 2; plus strand). Cytogenetic location: Xp11.4.
Variant type: single nucleotide variant.
Coding change: c.285G>A on transcript NM_005765.3 (MANE Select); coding-DNA position 285, G replaced by A.
Protein change: p.Ser95=; no amino-acid change (serine 95 retained).
Molecular consequence: synonymous variant.
Genome position (GRCh38, 1-based): chrX:40,591,350, G>A. VCF-style: chrX-40591350-G-A. GRCh37 (hg19) VCF-style: chrX-40450602-G-A.
Other names: p.S95S:TCG>TCA.
Identifiers: ClinVar variation 128486 (VCV000128486.20), dbSNP rs34217273, ClinGen allele CA288695.

ClinVar aggregate classification (germline): Benign. Review status: criteria provided, multiple submitters, no conflicts (2 of 4 stars). 6 submissions from 6 submitters: Benign (5). 1 of the submissions does not count toward it. Last evaluated 2026-01-28.

Conditions:
History of neurodevelopmental disorder. Identifiers: MedGen C2711754.
Intellectual developmental disorder, X-linked, syndromic, Hedera type. Also called: Syndromic X-linked intellectual disability Hedera type. Identifiers: Orphanet 93952, MedGen C1845543, MONDO:0010319, OMIM 300423.

Allele frequency attached by ClinVar (database versions not stated): gnomAD 0.01468; 1000 Genomes Project 0.01642; 1000 Genomes Project 30x 0.01727; TOPMed 0.01755; ESP Exome Variant Server 0.01893.
gnomAD v4.1: 3,752 of 1,209,308 alleles (0.31%); highest among the groups gnomAD compares: African/African-American, 5.5%; 70 homozygotes.

Submissions (6):

Labcorp Genetics (formerly Invitae), Labcorp
Classification: Benign for Intellectual developmental disorder, X-linked, syndromic, Hedera type. Last evaluated: 2026-01-28. Review status: criteria provided, single submitter. Criteria: Invitae Variant Classification Sherloc (09022015). Collection method: clinical testing. Allele origin: germline.

Athena Diagnostics
Classification: Benign. Last evaluated: 2018-11-27. Review status: criteria provided, single submitter. Criteria: Athena Diagnostics Criteria. Collection method: clinical testing. Allele origin: germline.

Ambry Genetics
Classification: Benign for History of neurodevelopmental disorder. Last evaluated: 2014-05-12. Review status: criteria provided, single submitter. Criteria: Ambry Autosomal Dominant and X-Linked criteria (10/2015). Collection method: clinical testing. Allele origin: germline. Observed: 1 variant allele.
Comment: General population or subpopulation frequency is too high to be a pathogenic mutation based on disease/syndrome prevalence and penetrance

GeneDx
Classification: Benign. Last evaluated: 2013-04-03. Review status: criteria provided, single submitter. Criteria: GeneDx Variant Classification (06012015). Collection method: clinical testing. Allele origin: germline. Affected: yes.
Comment: This variant is considered likely benign or benign based on one or more of the following criteria: it is a conservative change, it occurs at a poorly conserved position in the protein, it is predicted to be benign by multiple in silico algorithms, and/or has population frequency not consistent with disease.

Breakthrough Genomics
Classification: Benign. Review status: criteria provided, single submitter. Criteria: ACMG Guidelines, 2015. Collection method: not provided. Allele origin: germline. Inheritance: X-linked inheritance. Affected: yes.

Genetic Services Laboratory, University of Chicago
Classification: Likely benign for AllHighlyPenetrant. Review status: no assertion criteria provided. Collection method: clinical testing. Allele origin: germline. Inheritance: X-linked inheritance. Not counted in ClinVar's aggregate classification.
Comment: Likely benign based on allele frequency in 1000 Genomes Project or ESP global frequency and its presence in a patient with a rare or unrelated disease phenotype. NOT Sanger confirmed.